The following is an entry in ClinVar:

NM_001102469.2(LIPN):c.108+3A>G

Gene: LIPN (lipase family member N; plus strand). Cytogenetic location: 10q23.31.
Variant type: single nucleotide variant.
Coding change: c.108+3A>G on transcript NM_001102469.2 (MANE Select); 3 bases into the intron after coding-DNA position 108, A replaced by G.
Molecular consequence: intron variant.
Genome position (GRCh38, 1-based): chr10:88,761,516, A>G. VCF-style: chr10-88761516-A-G. GRCh37 (hg19) VCF-style: chr10-90521273-A-G.
Identifiers: ClinVar variation 3609484 (VCV003609484.2).

ClinVar aggregate classification (germline): Uncertain significance (1 of 4 stars; one submission).

gnomAD v4.1: 12 of 1,586,926 alleles (0.00076%); highest among the groups gnomAD compares: African/African-American, 0.013%; no homozygotes.

Submission:

Labcorp Genetics (formerly Invitae), Labcorp
Classification: Uncertain significance. Last evaluated: 2024-05-22. Review status: criteria provided, single submitter. Criteria: Invitae Variant Classification Sherloc (09022015). Collection method: clinical testing. Allele origin: germline.
Comment: This sequence change falls in intron 1 of the LIPN gene. It does not directly change the encoded amino acid sequence of the LIPN protein. It affects a nucleotide within the consensus splice site. This variant is present in population databases (no rsID available, gnomAD 0.008%). This variant has not been reported in the literature in individuals affected with LIPN-related conditions. Variants that disrupt the consensus splice site are a relatively common cause of aberrant splicing (PMID: 17576681, 9536098). Algorithms developed to predict the effect of sequence changes on RNA splicing suggest that this variant may disrupt the consensus splice site. In summary, the available evidence is currently insufficient to determine the role of this variant in disease. Therefore, it has been classified as a Variant of Uncertain Significance.

Literature cited by the submitters: PubMed 17576681; PubMed 9536098.